The following is an entry in ClinVar:

NM_015272.5(RPGRIP1L):c.3702-9C>A

Gene: RPGRIP1L (RPGRIP1 like; minus strand). Cytogenetic location: 16q12.2.
Variant type: single nucleotide variant.
Coding change: c.3702-9C>A on transcript NM_015272.5 (MANE Select); 9 bases into the intron before coding-DNA position 3702, C replaced by A.
Molecular consequence: intron variant.
Genome position (GRCh38, 1-based): chr16:53,605,623, G>T on the plus strand (C>A on the coding strand, the complement: RPGRIP1L is on the minus strand). VCF-style: chr16-53605623-G-T. GRCh37 (hg19) VCF-style: chr16-53639535-G-T.
Other names: c.3462-9C>A (NM_001127897.4); c.3600-9C>A (NM_001330538.2); c.3564-9C>A (NM_001308334.3).
Identifiers: ClinVar variation 2139933 (VCV002139933.1), dbSNP rs767511260, ClinGen allele CA8057197.

ClinVar aggregate classification (germline): Uncertain significance (1 of 4 stars; one submission).

Conditions:
Joubert syndrome. Also called: CEREBELLOPARENCHYMAL DISORDER IV; JOUBERT-BOLTSHAUSER SYNDROME; Familial aplasia of the vermis. Identifiers: Orphanet 475, MedGen C5979921, MONDO:0018772.
Meckel-Gruber syndrome. Also called: DYSENCEPHALIA SPLANCHNOCYSTICA; GRUBER SYNDROME; Dysencephalia splachnocystica. Identifiers: Orphanet 564, MedGen C0265215, MONDO:0018921.

Allele frequency attached by ClinVar (database versions not stated): gnomAD exomes below 0.00001; ExAC 0.00001.
gnomAD v4.1: 1 of 1,613,672 alleles (0.000062%); highest among the groups gnomAD compares: Non-Finnish European, 0.000085%; no homozygotes.

Submission:

Labcorp Genetics (formerly Invitae), Labcorp
Classification: Uncertain significance for Joubert syndrome; Meckel-Gruber syndrome. Last evaluated: 2022-04-12. Review status: criteria provided, single submitter. Criteria: Invitae Variant Classification Sherloc (09022015). Collection method: clinical testing. Allele origin: germline.
Comment: This sequence change falls in intron 25 of the RPGRIP1L gene. It does not directly change the encoded amino acid sequence of the RPGRIP1L protein. This variant is present in population databases (rs767511260, gnomAD 0.0009%). This variant has not been reported in the literature in individuals affected with RPGRIP1L-related conditions. Algorithms developed to predict the effect of sequence changes on RNA splicing suggest that this variant is not likely to affect RNA splicing. In summary, the available evidence is currently insufficient to determine the role of this variant in disease. Therefore, it has been classified as a Variant of Uncertain Significance.